The following is an entry in ClinVar:

NM_014780.5(CUL7):c.4492C>T (p.Leu1498Phe)

Gene: CUL7 (cullin 7; minus strand). Cytogenetic location: 6p21.1.
Variant type: single nucleotide variant.
Coding change: c.4492C>T on transcript NM_014780.5 (MANE Select); coding-DNA position 4492, C replaced by T.
Protein change: p.Leu1498Phe; replaces leucine 1498 with phenylalanine.
Molecular consequence: missense variant.
Genome position (GRCh38, 1-based): chr6:43,038,641, G>A on the plus strand (C>T on the coding strand, the complement: CUL7 is on the minus strand). VCF-style: chr6-43038641-G-A. GRCh37 (hg19) VCF-style: chr6-43006379-G-A.
Other names: c.4588C>T, p.Leu1530Phe (NM_001168370.2, NM_001374872.1); c.4492C>T, p.Leu1498Phe (NM_001374873.1); c.4489C>T, p.Leu1497Phe (NM_001374874.1); short protein forms L1498F, L1530F, L1497F.
Identifiers: ClinVar variation 4778149 (VCV004778149.1).

ClinVar aggregate classification (germline): Uncertain significance (1 of 4 stars; one submission).

gnomAD v4.1: 7 of 1,614,010 alleles (0.00043%); highest among the groups gnomAD compares: Non-Finnish European, 0.00051%; no homozygotes.

Submission:

Labcorp Genetics (formerly Invitae), Labcorp
Classification: Uncertain significance. Last evaluated: 2025-08-03. Review status: criteria provided, single submitter. Criteria: Invitae Variant Classification Sherloc (09022015). Collection method: clinical testing. Allele origin: germline.
Comment: This sequence change replaces leucine, which is neutral and non-polar, with phenylalanine, which is neutral and non-polar, at codon 1498 of the CUL7 protein (p.Leu1498Phe). This variant is present in population databases (no rsID available, gnomAD 0.0009%). This variant has not been reported in the literature in individuals affected with CUL7-related conditions. Invitae Evidence Modeling of protein sequence and biophysical properties (such as structural, functional, and spatial information, amino acid conservation, physicochemical variation, residue mobility, and thermodynamic stability) indicates that this missense variant is not expected to disrupt CUL7 protein function with a negative predictive value of 80%. In summary, the available evidence is currently insufficient to determine the role of this variant in disease. Therefore, it has been classified as a Variant of Uncertain Significance.